The following is an entry in ClinVar:

ClinVar aggregate classification (germline): Conflicting classifications of pathogenicity. Review status: criteria provided, conflicting classifications (1 of 4 stars). 2 submissions from 2 submitters: Uncertain significance (1); Likely benign (1). Last evaluated 2025-02-24.

Conditions:
Developmental and epileptic encephalopathy, 12 (DEE12). Identifiers: MedGen C3150988, MONDO:0013389, OMIM 613722.

Allele frequency attached by ClinVar (database versions not stated): gnomAD exomes below 0.00001; gnomAD 0.00001; TOPMed 0.00001.
gnomAD v4.1: 8 of 1,551,022 alleles (0.00052%); highest among the groups gnomAD compares: Admixed American, 0.0039%; no homozygotes.

Submissions (2):

Labcorp Genetics (formerly Invitae), Labcorp
Classification: Uncertain significance for Developmental and epileptic encephalopathy, 12. Last evaluated: 2025-02-24. Review status: criteria provided, single submitter. Criteria: Invitae Variant Classification Sherloc (09022015). Collection method: clinical testing. Allele origin: germline.
Comment: This sequence change falls in intron 8 of the PNKP gene. It does not directly change the encoded amino acid sequence of the PNKP protein. It affects a nucleotide within the consensus splice site. This variant is not present in population databases (gnomAD no frequency). This variant has not been reported in the literature in individuals affected with PNKP-related conditions. ClinVar contains an entry for this variant (Variation ID: 512431). Variants that disrupt the consensus splice site are a relatively common cause of aberrant splicing (PMID: 17576681, 9536098). Algorithms developed to predict the effect of sequence changes on RNA splicing suggest that this variant is not likely to affect RNA splicing. In summary, the available evidence is currently insufficient to determine the role of this variant in disease. Therefore, it has been classified as a Variant of Uncertain Significance.

GeneDx
Classification: Likely benign. Last evaluated: 2017-10-03. Review status: criteria provided, single submitter. Criteria: GeneDx Variant Classification (06012015). Collection method: clinical testing. Allele origin: germline. Affected: yes.
Comment: This variant is considered likely benign or benign based on one or more of the following criteria: it is a conservative change, it occurs at a poorly conserved position in the protein, it is predicted to be benign by multiple in silico algorithms, and/or has population frequency not consistent with disease.

Literature cited by the submitters: PubMed 17576681 (cited by Labcorp Genetics (formerly Invitae), Labcorp); PubMed 9536098 (cited by Labcorp Genetics (formerly Invitae), Labcorp).

NM_007254.4(PNKP):c.816+6T>A

Gene: PNKP (polynucleotide kinase 3'-phosphatase; minus strand). Cytogenetic location: 19q13.33.
Variant type: single nucleotide variant.
Coding change: c.816+6T>A on transcript NM_007254.4 (MANE Select); 6 bases into the intron after coding-DNA position 816, T replaced by A.
Molecular consequence: intron variant.
Genome position (GRCh38, 1-based): chr19:49,863,683, A>T on the plus strand (T>A on the coding strand, the complement: PNKP is on the minus strand). VCF-style: chr19-49863683-A-T. GRCh37 (hg19) VCF-style: chr19-50366940-A-T.
Identifiers: ClinVar variation 512431 (VCV000512431.9), dbSNP rs1313353571, ClinGen allele CA633651044.